The following is an entry in ClinVar:

ClinVar aggregate classification (germline): Conflicting classifications of pathogenicity. Review status: criteria provided, conflicting classifications (1 of 4 stars). 10 submissions from 9 submitters: Uncertain significance (6); Likely benign (1). 3 of the submissions do not count toward it. Last evaluated 2025-04-30.

Conditions:
Adams-Oliver syndrome 5 (AOS5). Identifiers: Orphanet 974, MedGen C4014970, MONDO:0014459, OMIM 616028.
Aortic valve disease 1 (AOVD1). Identifiers: MedGen C3887892, MONDO:0024523, OMIM 109730.
Familial thoracic aortic aneurysm and aortic dissection (TAAD). Also called: Thoracic aortic aneurysms and dissections. Identifiers: Orphanet 91387, MedGen C4707243, MONDO:0019625.

Allele frequency attached by ClinVar (database versions not stated): gnomAD exomes 0.00004; gnomAD 0.00005 and 0.00006; TOPMed 0.00005; ExAC 0.00010.
gnomAD v4.1: 43 of 1,561,466 alleles (0.0028%); highest among the groups gnomAD compares: Middle Eastern, 0.041%; no homozygotes.

Submissions (10):

Labcorp Genetics (formerly Invitae), Labcorp
Classification: Likely benign for Adams-Oliver syndrome 5. Last evaluated: 2025-04-30. Review status: criteria provided, single submitter. Criteria: Invitae Variant Classification Sherloc (09022015). Collection method: clinical testing. Allele origin: germline.

Ambry Genetics
Classification: Uncertain significance for Familial thoracic aortic aneurysm and aortic dissection. Last evaluated: 2024-04-29. Review status: criteria provided, single submitter. Criteria: Ambry Variant Classification Scheme 2023. Collection method: clinical testing. Allele origin: germline.
Comment: The p.G1001S variant (also known as c.3001G>A), located in coding exon 19 of the NOTCH1 gene, results from a G to A substitution at nucleotide position 3001. The glycine at codon 1001 is replaced by serine, an amino acid with similar properties. This alteration has been reported in a thoracic aortic aneurysm and dissection (TAAD) cohort and an ischemic stroke cohort (Overwater E et al. Hum Mutat, 2018 Sep;39:1173-1192; Alkhamis FA et al. Funct Integr Genomics, 2023 Mar;23:102). This amino acid position is highly conserved in available vertebrate species. In addition, this alteration is predicted to be deleterious by in silico analysis. Based on the available evidence, the clinical significance of this variant remains unclear.

Blueprint Genetics
Classification: Uncertain significance. Last evaluated: 2024-02-13. Review status: criteria provided, single submitter. Criteria: ACMG Guidelines, 2015. Collection method: clinical testing. Allele origin: germline.

GeneDx
Classification: Uncertain significance. Last evaluated: 2023-11-09. Review status: criteria provided, single submitter. Criteria: GeneDx Variant Classification Process June 2021. Collection method: clinical testing. Allele origin: germline. Affected: yes.
Comment: Reported as a variant of uncertain significance in an individual with thoracic aortic aneurysm (PMID: 29907982); In silico analysis supports that this missense variant has a deleterious effect on protein structure/function; This variant is associated with the following publications: (PMID: 29907982)

Genome-Nilou Lab
Classification: Uncertain significance for Adams-Oliver syndrome 5. Last evaluated: 2022-03-15. Review status: criteria provided, single submitter. Criteria: ACMG Guidelines, 2015. Collection method: clinical testing. Allele origin: germline. Affected: no.

Genome-Nilou Lab
Classification: Uncertain significance for Aortic valve disease 1. Last evaluated: 2022-03-15. Review status: criteria provided, single submitter. Criteria: ACMG Guidelines, 2015. Collection method: clinical testing. Allele origin: germline. Affected: no.

Fulgent Genetics
Classification: Uncertain significance for Aortic valve disease 1; Adams-Oliver syndrome 5. Last evaluated: 2022-02-22. Review status: criteria provided, single submitter. Criteria: ACMG Guidelines, 2015. Collection method: clinical testing. Allele origin: unknown.

Clinical Genetics DNA and cytogenetics Diagnostics Lab, Erasmus MC, Erasmus Medical Center
Classification: Uncertain significance. Review status: no assertion criteria provided. Collection method: clinical testing. Allele origin: germline. Affected: yes. Study: VKGL Data-share Consensus. Not counted in ClinVar's aggregate classification.

Genome Diagnostics Laboratory, Amsterdam University Medical Center
Classification: Uncertain significance. Review status: no assertion criteria provided. Collection method: clinical testing. Allele origin: germline. Affected: yes. Study: VKGL Data-share Consensus. Not counted in ClinVar's aggregate classification.

Laboratory of Diagnostic Genome Analysis, Leiden University Medical Center (LUMC)
Classification: Uncertain significance. Review status: no assertion criteria provided. Collection method: clinical testing. Allele origin: germline. Affected: yes. Study: VKGL Data-share Consensus. Not counted in ClinVar's aggregate classification.

Literature cited by the submitters: PubMed 29907982 (cited by Ambry Genetics); PubMed 36973604 (cited by Ambry Genetics).

NM_017617.5(NOTCH1):c.3001G>A (p.Gly1001Ser)

Gene: NOTCH1 (notch receptor 1; minus strand). Cytogenetic location: 9q34.3.
Variant type: single nucleotide variant.
Coding change: c.3001G>A on transcript NM_017617.5 (MANE Select); coding-DNA position 3001, G replaced by A.
Protein change: p.Gly1001Ser; replaces glycine 1001 with serine.
Molecular consequence: missense variant.
Genome position (GRCh38, 1-based): chr9:136,509,040, C>T on the plus strand (G>A on the coding strand, the complement: NOTCH1 is on the minus strand). VCF-style: chr9-136509040-C-T. GRCh37 (hg19) VCF-style: chr9-139403492-C-T.
Other names: c.3001G>A, p.Gly1001Ser (LRG_1122t1); short protein forms G1001S.
Identifiers: ClinVar variation 520078 (VCV000520078.26), dbSNP rs763621169, ClinGen allele CA5341071.